The following is an entry in ClinVar:

ClinVar aggregate classification (germline): Likely benign. Review status: criteria provided, multiple submitters, no conflicts (2 of 4 stars). 2 submissions from 2 submitters: Likely benign (2). Last evaluated 2025-09-27.

Conditions:
TTN-related disorder. Also called: TTN-related condition; TTN-related disease; TTN-related disorders.
Autosomal recessive limb-girdle muscular dystrophy type 2J (LGMDR10). Also called: Limb-girdle muscular dystrophy, type 2J; MUSCULAR DYSTROPHY, LIMB-GIRDLE, AUTOSOMAL RECESSIVE 10. Identifiers: Orphanet 140922, MedGen C1837342, MONDO:0012127, OMIM 608807.
Dilated cardiomyopathy 1G (CMD1G). Identifiers: Orphanet 154, MedGen C1858763, MONDO:0011400, OMIM 604145.

Allele frequency attached by ClinVar (database versions not stated): gnomAD exomes below 0.00001; TOPMed 0.00003.
gnomAD v4.1: 7 of 1,614,072 alleles (0.00043%); highest among the groups gnomAD compares: East Asian, 0.0022%; no homozygotes.

Submissions (2):

Labcorp Genetics (formerly Invitae), Labcorp
Classification: Likely benign for Dilated cardiomyopathy 1G; Autosomal recessive limb-girdle muscular dystrophy type 2J. Last evaluated: 2025-09-27. Review status: criteria provided, single submitter. Criteria: Invitae Variant Classification Sherloc (09022015). Collection method: clinical testing. Allele origin: germline.

PreventionGenetics, part of Exact Sciences
Classification: Likely benign for TTN-related condition. Last evaluated: 2025-03-19. Review status: criteria provided, single submitter. Criteria: ACMG Guidelines, 2015. Collection method: clinical testing. Allele origin: germline.
Comment: This variant is classified as likely benign based on ACMG/AMP sequence variant interpretation guidelines (Richards et al. 2015 PMID: 25741868, with internal and published modifications).

NM_001267550.2(TTN):c.2574G>A (p.Ser858=)

Gene: TTN (titin; minus strand). Cytogenetic location: 2q31.2.
Variant type: single nucleotide variant.
Coding change: c.2574G>A on transcript NM_001267550.2 (MANE Select); coding-DNA position 2574, G replaced by A.
Protein change: p.Ser858=; no amino-acid change (serine 858 retained).
Molecular consequence: synonymous variant.
Genome position (GRCh38, 1-based): chr2:178,784,271, C>T on the plus strand (G>A on the coding strand, the complement: TTN is on the minus strand). VCF-style: chr2-178784271-C-T. GRCh37 (hg19) VCF-style: chr2-179648998-C-T.
Other names: c.2574G>A, p.Ser858= (NM_001256850.1, NM_133378.4, NM_133379.5); c.2436G>A, p.Ser812= (NM_003319.4, NM_133432.3, NM_133437.4).
Identifiers: ClinVar variation 704586 (VCV000704586.10), dbSNP rs1265382651, ClinGen allele CA430112086.
Genomic context (GRCh38, chr2:178,784,271, plus strand): 5'-CAAGGGTGTGGGCTCTGCCCTTACTCTAGTCTCACTGGGCTTCACAGTAGGAGCCTTCAC[C>T]GATTTGGTGATCTTCTGAGCAGAAGATGTGGCTGACAACTCTTTTTGTAATGTGGCAATA-3'
Protein context (NP_001254479.2, residues 848-868): ATSSAQKITK[Ser858=]VKAPTVKPSE